The following is an entry in ClinVar:

NM_000532.5(PCCB):c.1372G>A (p.Ala458Thr)

Gene: PCCB (propionyl-CoA carboxylase subunit beta; plus strand). Cytogenetic location: 3q22.3.
Variant type: single nucleotide variant.
Coding change: c.1372G>A on transcript NM_000532.5 (MANE Select); coding-DNA position 1372, G replaced by A.
Protein change: p.Ala458Thr; replaces alanine 458 with threonine.
Molecular consequence: missense variant.
Genome position (GRCh38, 1-based): chr3:136,327,706, G>A. VCF-style: chr3-136327706-G-A. GRCh37 (hg19) VCF-style: chr3-136046548-G-A.
Other names: p.Ala458Thr; c.1432G>A, p.Ala478Thr (NM_001178014.2); short protein forms A458T, A478T.
Identifiers: ClinVar variation 343475 (VCV000343475.12), dbSNP rs542389615, ClinGen allele CA2632158.
Genomic context (GRCh38, chr3:136,327,706, plus strand): 5'-GCCTATGATGTCATGAGCTCTAAGCACCTTTGTGGTGATACCAACTATGCCTGGCCCACC[G>A]CAGAGATTGCAGTCATGGGAGCAAAGGTGAGGGCCTCTTGCTTTTCCCTTTCTGGGTCCA-3'
Protein context (NP_000523.2, residues 448-468): CGDTNYAWPT[Ala458Thr]EIAVMGAKGA

ClinVar aggregate classification (germline): Uncertain significance. Review status: criteria provided, multiple submitters, no conflicts (2 of 4 stars). 5 submissions from 5 submitters: Uncertain significance (4). 1 of the submissions does not count toward it. Last evaluated 2024-07-22.

Conditions:
Propionic acidemia (PROP). Also called: GLYCINEMIA, KETOTIC; HYPERGLYCINEMIA WITH KETOACIDOSIS AND LEUKOPENIA; KETOTIC HYPERGLYCINEMIA. Identifiers: Orphanet 35, MedGen C0268579, MONDO:0011628, OMIM 606054, HP:0003571.

Allele frequency attached by ClinVar (database versions not stated): gnomAD 0.00002 and 0.00005; TOPMed 0.00006; ExAC 0.00027; 1000 Genomes Project 0.00040; 1000 Genomes Project 30x 0.00047.
gnomAD v4.1: 87 of 1,613,808 alleles (0.0054%); highest among the groups gnomAD compares: South Asian, 0.065%; 1 homozygote.

Submissions (5):

Mayo Clinic Laboratories, Mayo Clinic
Classification: Uncertain significance. Last evaluated: 2024-07-22. Review status: criteria provided, single submitter. Criteria: ACMG Guidelines, 2015. Collection method: clinical testing. Allele origin: germline. Observed: 1 variant allele.
Comment: BS1, PP3

Labcorp Genetics (formerly Invitae), Labcorp
Classification: Uncertain significance for Propionic acidemia. Last evaluated: 2022-08-23. Review status: criteria provided, single submitter. Criteria: Invitae Variant Classification Sherloc (09022015). Collection method: clinical testing. Allele origin: germline.
Comment: This sequence change replaces alanine, which is neutral and non-polar, with threonine, which is neutral and polar, at codon 458 of the PCCB protein (p.Ala458Thr). This variant is present in population databases (rs542389615, gnomAD 0.2%). This variant has not been reported in the literature in individuals affected with PCCB-related conditions. ClinVar contains an entry for this variant (Variation ID: 343475). Advanced modeling of protein sequence and biophysical properties (such as structural, functional, and spatial information, amino acid conservation, physicochemical variation, residue mobility, and thermodynamic stability) performed at Invitae indicates that this missense variant is expected to disrupt PCCB protein function. In summary, the available evidence is currently insufficient to determine the role of this variant in disease. Therefore, it has been classified as a Variant of Uncertain Significance.

Fulgent Genetics
Classification: Uncertain significance for Propionic acidemia. Last evaluated: 2021-07-28. Review status: criteria provided, single submitter. Criteria: ACMG Guidelines, 2015. Collection method: clinical testing. Allele origin: unknown.

Illumina Laboratory Services, Illumina
Classification: Uncertain significance for Propionic acidemia. Last evaluated: 2018-01-12. Review status: criteria provided, single submitter. Criteria: ICSL Variant Classification Criteria 13 December 2019. Collection method: clinical testing. Allele origin: germline.

Natera, Inc.
Classification: Uncertain significance for Propionic acidemia. Last evaluated: 2019-10-28. Review status: no assertion criteria provided. Collection method: clinical testing. Allele origin: germline. Not counted in ClinVar's aggregate classification.

Literature cited by the submitters: PubMed 35331292 (cited by Mayo Clinic Laboratories, Mayo Clinic).